The following is an entry in ClinVar:

NM_001369268.1(ACAN):c.5762C>T (p.Ala1921Val)

Gene: ACAN (aggrecan; plus strand). Cytogenetic location: 15q26.1.
Variant type: single nucleotide variant.
Coding change: c.5762C>T on transcript NM_001369268.1 (MANE Select); coding-DNA position 5762, C replaced by T.
Protein change: p.Ala1921Val; replaces alanine 1921 with valine.
Molecular consequence: missense variant.
Genome position (GRCh38, 1-based): chr15:88,858,347, C>T. VCF-style: chr15-88858347-C-T. GRCh37 (hg19) VCF-style: chr15-89401578-C-T.
Other names: c.5762C>T, p.Ala1921Val (NM_001135.4, NM_001411096.1, NM_001411097.1 and 1 more transcripts); short protein forms A1921V.
Identifiers: ClinVar variation 4795482 (VCV004795482.1).

ClinVar aggregate classification (germline): Uncertain significance (1 of 4 stars; one submission).

Submission:

GeneDx
Classification: Uncertain significance. Last evaluated: 2025-02-12. Review status: criteria provided, single submitter. Criteria: GeneDx Variant Classification Process June 2021. Collection method: clinical testing. Allele origin: germline. Affected: yes.
Comment: Not observed at significant frequency in large population cohorts (gnomAD); In silico analysis indicates that this missense variant does not alter protein structure/function; Has not been previously published as pathogenic or benign to our knowledge